The following is an entry in ClinVar:

ClinVar aggregate classification (germline): Pathogenic (1 of 4 stars; one submission).

Submission:

GeneDx
Classification: Pathogenic. Last evaluated: 2015-07-31. Review status: criteria provided, single submitter. Criteria: GeneDx Variant Classification (06012015). Collection method: clinical testing. Allele origin: germline. Affected: yes.
Comment: The Y1469X nonsense variant in the CHD7 gene is predicted to cause loss of normal protein function either through protein truncation or nonsense-mediated mRNA decay. Although this variant has not beenreported previously to our knowledge, we interpret it as pathogenic.

NM_017780.4(CHD7):c.4407T>G (p.Tyr1469Ter)

Gene: CHD7 (chromodomain helicase DNA binding protein 7; plus strand). Cytogenetic location: 8q12.2.
Variant type: single nucleotide variant.
Coding change: c.4407T>G on transcript NM_017780.4 (MANE Select); coding-DNA position 4407, T replaced by G.
Protein change: p.Tyr1469Ter; replaces tyrosine 1469 with a stop codon.
Molecular consequence: nonsense. On other transcripts: intron variant (1).
Genome position (GRCh38, 1-based): chr8:60,838,129, T>G. VCF-style: chr8-60838129-T-G. GRCh37 (hg19) VCF-style: chr8-61750688-T-G.
Other names: c.4407T>G (LRG_176t1); c.1717-24100T>G (NM_001316690.1); short protein forms Y1469*.
Identifiers: ClinVar variation 419570 (VCV000419570.2), dbSNP rs1064793962, ClinGen allele CA16618669.